The following is an entry in ClinVar:

ClinVar aggregate classification (germline): Benign/Likely benign. Review status: criteria provided, multiple submitters, no conflicts (2 of 4 stars). 4 submissions from 4 submitters: Benign (3); Likely benign (1). Last evaluated 2026-01-18.

Allele frequency attached by ClinVar (database versions not stated): gnomAD exomes 0.00052 and 0.00169; ExAC 0.00220; gnomAD 0.00638 and 0.00678; TOPMed 0.00665; 1000 Genomes Project 0.00679; ESP Exome Variant Server 0.00707; 1000 Genomes Project 30x 0.00718.
gnomAD v4.1: 1,745 of 1,614,020 alleles (0.11%); highest among the groups gnomAD compares: African/African-American, 2%; 11 homozygotes.

Submissions (4):

Labcorp Genetics (formerly Invitae), Labcorp
Classification: Benign. Last evaluated: 2026-01-18. Review status: criteria provided, single submitter. Criteria: Invitae Variant Classification Sherloc (09022015). Collection method: clinical testing. Allele origin: germline.

Blueprint Genetics
Classification: Likely benign. Last evaluated: 2024-11-13. Review status: criteria provided, single submitter. Criteria: ACMG Guidelines, 2015. Collection method: clinical testing. Allele origin: germline.

Mayo Clinic Laboratories, Mayo Clinic
Classification: Benign. Last evaluated: 2024-03-06. Review status: criteria provided, single submitter. Criteria: ACMG Guidelines, 2015. Collection method: clinical testing. Allele origin: germline. Observed: 3 variant alleles.
Comment: BS1, BS2

Breakthrough Genomics
Classification: Benign. Review status: criteria provided, single submitter. Criteria: ACMG Guidelines, 2015. Collection method: not provided. Allele origin: germline. Inheritance: Autosomal recessive inheritance. Affected: yes.

NM_001198800.3(ASCC1):c.911A>G (p.Tyr304Cys)

Gene: ASCC1 (activating signal cointegrator 1 complex subunit 1; minus strand). Cytogenetic location: 10q22.1.
Variant type: single nucleotide variant.
Coding change: c.911A>G on transcript NM_001198800.3 (MANE Select); coding-DNA position 911, A replaced by G.
Protein change: p.Tyr304Cys; replaces tyrosine 304 with cysteine.
Molecular consequence: missense variant. On other transcripts: non-coding transcript variant (1), intron variant (3).
Genome position (GRCh38, 1-based): chr10:72,128,128, T>C on the plus strand (A>G on the coding strand, the complement: ASCC1 is on the minus strand). VCF-style: chr10-72128128-T-C. GRCh37 (hg19) VCF-style: chr10-73887886-T-C.
Other names: p.Tyr304Cys; c.977A>G, p.Tyr326Cys (NM_001369085.1, NM_001369086.1); c.911A>G, p.Tyr304Cys (NM_001369087.1, NM_001369091.1, NM_001369092.1 and 10 more transcripts); c.857A>G, p.Tyr286Cys (NM_001369099.1); c.791A>G, p.Tyr264Cys (NM_001369100.1, NM_001369103.1, NM_001369104.1 and 2 more transcripts); c.794A>G, p.Tyr265Cys (NM_001369101.1, NM_001369102.1, NM_001369105.1 and 2 more transcripts); c.995A>G, p.Tyr332Cys (NM_001198799.3); c.751+4929A>G (NM_001369112.1); and 1 more; short protein forms Y304C, Y326C, Y264C, Y265C, Y286C, Y332C.
Identifiers: ClinVar variation 711537 (VCV000711537.12), dbSNP rs142208064, ClinGen allele CA5548877.